The following is an entry in ClinVar:

NM_002473.6(MYH9):c.5798G>A (p.Arg1933Gln)

Gene: MYH9 (myosin heavy chain 9; minus strand). Cytogenetic location: 22q12.3.
Variant type: single nucleotide variant.
Coding change: c.5798G>A on transcript NM_002473.6 (MANE Select); coding-DNA position 5798, G replaced by A.
Protein change: p.Arg1933Gln; replaces arginine 1933 with glutamine.
Molecular consequence: missense variant.
Genome position (GRCh38, 1-based): chr22:36,282,753, C>T on the plus strand (G>A on the coding strand, the complement: MYH9 is on the minus strand). VCF-style: chr22-36282753-C-T. GRCh37 (hg19) VCF-style: chr22-36678799-C-T.
Other names: short protein forms R1933Q.
Identifiers: ClinVar variation 4779862 (VCV004779862.1).

ClinVar aggregate classification (germline): Uncertain significance (1 of 4 stars; one submission).

gnomAD v4.1: 4 of 1,613,000 alleles (0.00025%); highest among the groups gnomAD compares: South Asian, 0.0011%; no homozygotes.

Submission:

Labcorp Genetics (formerly Invitae), Labcorp
Classification: Uncertain significance. Last evaluated: 2025-12-17. Review status: criteria provided, single submitter. Criteria: Invitae Variant Classification Sherloc (09022015). Collection method: clinical testing. Allele origin: germline.
Comment: This sequence change replaces arginine, which is basic and polar, with glutamine, which is neutral and polar, at codon 1933 of the MYH9 protein (p.Arg1933Gln). This variant is not present in population databases (gnomAD no frequency). This variant has not been reported in the literature in individuals affected with MYH9-related conditions. Invitae Evidence Modeling of protein sequence and biophysical properties (such as structural, functional, and spatial information, amino acid conservation, physicochemical variation, residue mobility, and thermodynamic stability) indicates that this missense variant is not expected to disrupt MYH9 protein function with a negative predictive value of 95%. In summary, the available evidence is currently insufficient to determine the role of this variant in disease. Therefore, it has been classified as a Variant of Uncertain Significance.